The following is an entry in ClinVar:

NM_022124.6(CDH23):c.9319+1G>T

Gene: CDH23 (cadherin related 23; plus strand). Cytogenetic location: 10q22.1.
Variant type: single nucleotide variant.
Coding change: c.9319+1G>T on transcript NM_022124.6 (MANE Select); the canonical splice donor site of the intron after coding-DNA position 9319, G replaced by T.
Molecular consequence: splice donor variant.
Genome position (GRCh38, 1-based): chr10:71,811,754, G>T. VCF-style: chr10-71811754-G-T. GRCh37 (hg19) VCF-style: chr10-73571511-G-T.
Other names: c.2599+1G>T (NM_001171933.1, NM_001171934.1).
Identifiers: ClinVar variation 2680456 (VCV002680456.4), dbSNP rs2133003145, ClinGen allele CA377135746.
Genomic context (GRCh38, chr10:71,811,754, plus strand): 5'-CCTCTCTGCTTCTCTCCAGACACAAGAGGAAGCTCAAGGCCATTGTGGCTGGCTCAGCTG[G>T]TAAGTGAGGGCCATAGTGGGGACACAGGTGAGAAGGCAGTGGGCTGGGGACCTGGAGTGC-3'

ClinVar aggregate classification (germline): Pathogenic. Review status: criteria provided, multiple submitters, no conflicts (2 of 4 stars). 2 submissions from 2 submitters: Pathogenic (2). Last evaluated 2023-09-19.

Conditions:
Pituitary adenoma 5, multiple types. Identifiers: MedGen C4539685, MONDO:0054601, OMIM 617540.

Allele frequency attached by ClinVar (database versions not stated): gnomAD exomes 0.00001.
gnomAD v4.1: 15 of 1,572,492 alleles (0.00095%); highest among the groups gnomAD compares: Non-Finnish European, 0.0013%; no homozygotes.

Submissions (2):

Baylor Genetics
Classification: Pathogenic for Pituitary adenoma 5, multiple types. Last evaluated: 2023-09-19. Review status: criteria provided, single submitter. Criteria: ACMG Guidelines, 2015. Collection method: clinical testing. Allele origin: unknown.

Labcorp Genetics (formerly Invitae), Labcorp
Classification: Pathogenic. Last evaluated: 2023-03-21. Review status: criteria provided, single submitter. Criteria: Invitae Variant Classification Sherloc (09022015). Collection method: clinical testing. Allele origin: germline.
Comment: For these reasons, this variant has been classified as Pathogenic. Algorithms developed to predict the effect of sequence changes on RNA splicing suggest that this variant may disrupt the consensus splice site. Disruption of this splice site has been observed in individual(s) with Usher syndrome (PMID: 31755791). This variant is not present in population databases (gnomAD no frequency). This sequence change affects a donor splice site in intron 65 of the CDH23 gene. It is expected to disrupt RNA splicing. Variants that disrupt the donor or acceptor splice site typically lead to a loss of protein function (PMID: 16199547), and loss-of-function variants in CDH23 are known to be pathogenic (PMID: 11138009, 21940737).

Literature cited by the submitters: PubMed 31755791 (cited by Labcorp Genetics (formerly Invitae), Labcorp); PubMed 16199547 (cited by Labcorp Genetics (formerly Invitae), Labcorp); PubMed 11138009 (cited by Labcorp Genetics (formerly Invitae), Labcorp); PubMed 21940737 (cited by Labcorp Genetics (formerly Invitae), Labcorp).